The following is an entry in ClinVar:

NM_000059.4(BRCA2):c.6112C>A (p.His2038Asn)

Gene: BRCA2 (BRCA2 DNA repair associated; plus strand). Cytogenetic location: 13q13.1.
Variant type: single nucleotide variant.
Coding change: c.6112C>A on transcript NM_000059.4 (MANE Select); coding-DNA position 6112, C replaced by A.
Protein change: p.His2038Asn; replaces histidine 2038 with asparagine.
Molecular consequence: missense variant.
Genome position (GRCh38, 1-based): chr13:32,340,467, C>A. VCF-style: chr13-32340467-C-A. GRCh37 (hg19) VCF-style: chr13-32914604-C-A.
Other names: short protein forms H2038N.
Identifiers: ClinVar variation 1171249 (VCV001171249.5), dbSNP rs587778123, ClinGen allele CA387788132.

ClinVar aggregate classification (germline): Conflicting classifications of pathogenicity. Review status: criteria provided, conflicting classifications (1 of 4 stars). 2 submissions from 2 submitters: Uncertain significance (1); Likely benign (1). Last evaluated 2024-03-06.

Conditions:
Hereditary cancer-predisposing syndrome. Also called: Tumor predisposition; Hereditary neoplastic syndrome; Hereditary Cancer Syndrome; Neoplastic Syndromes, Hereditary. Identifiers: Orphanet 140162, MedGen C0027672, MeSH D009386, MONDO:0015356.

gnomAD v4.1: 2 of 1,613,730 alleles (0.00012%); highest among the groups gnomAD compares: South Asian, 0.0011%; no homozygotes.

Submissions (2):

Color Diagnostics, LLC DBA Color Health
Classification: Uncertain significance for Hereditary cancer-predisposing syndrome. Last evaluated: 2024-03-06. Review status: criteria provided, single submitter. Criteria: ACMG Guidelines, 2015. Collection method: clinical testing. Allele origin: germline.
Comment: This missense variant replaces histidine with asparagine at codon 2038 of the BRCA2 protein. Computational prediction suggests that this variant may not impact protein structure and function (internally defined REVEL score threshold <= 0.5, PMID: 27666373). To our knowledge, functional studies have not been reported for this variant. This variant has not been reported in individuals affected with hereditary cancer in the literature. This variant has been identified in 2/250972 chromosomes in the general population by the Genome Aggregation Database (gnomAD). The available evidence is insufficient to determine the role of this variant in disease conclusively. Therefore, this variant is classified as a Variant of Uncertain Significance.

University of Washington Department of Laboratory Medicine, University of Washington
Classification: Likely benign for Hereditary cancer-predisposing syndrome. Last evaluated: 2023-03-23. Review status: criteria provided, single submitter. Criteria: Dines et al. (Genet Med. 2020). Collection method: curation. Allele origin: germline.
Comment: Missense variant in a coldspot region where missense variants are very unlikely to be pathogenic (PMID:31911673).

BRCA2 exon 11 coldspot. Reclassification based on statistical prior probability.